The following is an entry in ClinVar:

ClinVar aggregate classification (germline): Uncertain significance. Review status: criteria provided, multiple submitters, no conflicts (2 of 4 stars). 2 submissions from 2 submitters: Uncertain significance (2). Last evaluated 2026-01-02.

Conditions:
Epidermolysis bullosa simplex with nail dystrophy (EBS5D). Identifiers: MedGen C4225309, MONDO:0014661, OMIM 616487.
Epidermolysis bullosa simplex 5C, with pyloric atresia (EBS5C). Also called: PLEC-Related Epidermolysis Bullosa with Pyloric Atresia; Epidermolysis bullosa simplex with pyloric atresia; PLEC1-Related Epidermolysis Bullosa with Pyloric Atresia. Identifiers: Orphanet 158684, MedGen C2677349, MONDO:0012807, OMIM 612138.
Autosomal recessive limb-girdle muscular dystrophy type 2Q (LGMDR17). Also called: MUSCULAR DYSTROPHY, LIMB-GIRDLE, AUTOSOMAL RECESSIVE 17. Identifiers: Orphanet 254361, MedGen C3150989, MONDO:0013390, OMIM 613723.
Epidermolysis bullosa simplex 5B, with muscular dystrophy (EBS5B). Also called: EPIDERMOLYSIS BULLOSA SIMPLEX AND LIMB-GIRDLE MUSCULAR DYSTROPHY; Epidermolysis bullosa simplex with muscular dystrophy. Identifiers: Orphanet 257, MedGen C2931072, MONDO:0009181, OMIM 226670.
Epidermolysis bullosa simplex, Ogna type (EBS5A). Also called: Pidermolysis bullosa simplex 5A, Ogna type; EPIDERMOLYSIS BULLOSA SIMPLEX 5A, OGNA TYPE. Identifiers: Orphanet 79401, MedGen C0432317, MONDO:0007555, OMIM 131950.

Allele frequency attached by ClinVar (database versions not stated): gnomAD exomes below 0.00001; ExAC 0.00001; gnomAD 0.00001 and 0.00002; TOPMed 0.00002.
gnomAD v4.1: 5 of 1,606,608 alleles (0.00031%); highest among the groups gnomAD compares: Admixed American, 0.0017%; no homozygotes.

Submissions (2):

Labcorp Genetics (formerly Invitae), Labcorp
Classification: Uncertain significance for Autosomal recessive limb-girdle muscular dystrophy type 2Q; Epidermolysis bullosa simplex, Ogna type; Epidermolysis bullosa simplex with nail dystrophy; Epidermolysis bullosa simplex 5C, with pyloric atresia; Epidermolysis bullosa simplex 5B, with muscular dystrophy. Last evaluated: 2026-01-02. Review status: criteria provided, single submitter. Criteria: Invitae Variant Classification Sherloc (09022015). Collection method: clinical testing. Allele origin: germline.
Comment: This sequence change replaces glutamic acid, which is acidic and polar, with glutamine, which is neutral and polar, at codon 3394 of the PLEC protein (p.Glu3394Gln). This variant is present in population databases (rs782044067, gnomAD 0.0009%). This variant has not been reported in the literature in individuals affected with PLEC-related conditions. ClinVar contains an entry for this variant (Variation ID: 283318). Invitae Evidence Modeling of protein sequence and biophysical properties (such as structural, functional, and spatial information, amino acid conservation, physicochemical variation, residue mobility, and thermodynamic stability) indicates that this missense variant is not expected to disrupt PLEC protein function with a negative predictive value of 80%. In summary, the available evidence is currently insufficient to determine the role of this variant in disease. Therefore, it has been classified as a Variant of Uncertain Significance.

Eurofins Ntd Llc (ga)
Classification: Uncertain significance. Last evaluated: 2015-09-21. Review status: criteria provided, single submitter. Criteria: EGL Classification Definitions 2015. Collection method: clinical testing. Allele origin: germline. Observed: 1 variant allele, 1 heterozygote.

NM_201384.3(PLEC):c.10099G>C (p.Glu3367Gln)

Gene: PLEC (plectin; minus strand). Cytogenetic location: 8q24.3.
Variant type: single nucleotide variant.
Coding change: c.10099G>C on transcript NM_201384.3 (MANE Select); coding-DNA position 10099, G replaced by C.
Protein change: p.Glu3367Gln; replaces glutamic acid 3367 with glutamine.
Molecular consequence: missense variant.
Genome position (GRCh38, 1-based): chr8:143,919,722, C>G on the plus strand (G>C on the coding strand, the complement: PLEC is on the minus strand). VCF-style: chr8-143919722-C-G. GRCh37 (hg19) VCF-style: chr8-144993890-C-G.
Other names: c.10180G>C, p.Glu3394Gln (NM_000445.5); c.10057G>C, p.Glu3353Gln (NM_201378.4); c.10033G>C, p.Glu3345Gln (NM_201379.3); c.10510G>C, p.Glu3504Gln (NM_201380.4); c.10003G>C, p.Glu3335Gln (NM_201381.3); c.10099G>C, p.Glu3367Gln (NM_201382.4); c.10111G>C, p.Glu3371Gln (NM_201383.3); short protein forms E3335Q, E3353Q, E3367Q, E3504Q, E3345Q, E3371Q, E3394Q.
Identifiers: ClinVar variation 283318 (VCV000283318.8), dbSNP rs782044067, ClinGen allele CA4924755.
Genomic context (GRCh38, chr8:143,919,722, plus strand): 5'-GCGCAGCCGTTGTGGCTCTCAGCAGGCCCCGGCGCATGGCCTCGTAGATGGACACCTTCT[C>G]CTTGGTGTCCTCCAGGTAGATGCCGGCGAGGCAGCCACTGCCCTGCAGCAGCGTCCGCAC-3'
Protein context (NP_958786.1, residues 3357-3377): LAGIYLEDTK[Glu3367Gln]KVSIYEAMRR